The following is an entry in ClinVar:

ClinVar aggregate classification (germline): Uncertain significance (1 of 4 stars; one submission).

Submission:

Ambry Genetics
Classification: Uncertain significance. Last evaluated: 2022-11-17. Review status: criteria provided, single submitter. Criteria: Ambry Variant Classification Scheme 2023. Collection method: clinical testing. Allele origin: germline.
Comment: The p.D683N variant (also known as c.2047G>A), located in coding exon 13 of the RINT1 gene, results from a G to A substitution at nucleotide position 2047. The aspartic acid at codon 683 is replaced by asparagine, an amino acid with highly similar properties. This amino acid position is conserved. In addition, this alteration is predicted to be tolerated by in silico analysis. Since supporting evidence is limited at this time, the clinical significance of this alteration remains unclear.

NM_021930.6(RINT1):c.2047G>A (p.Asp683Asn)

Genes: EFCAB10 (EF-hand calcium binding domain 10; minus strand), RINT1 (RAD50 interactor 1; plus strand). Cytogenetic location: 7q22.3.
Variant type: single nucleotide variant.
Coding change: c.2047G>A on transcript NM_021930.6 (MANE Select); coding-DNA position 2047, G replaced by A.
Protein change: p.Asp683Asn; replaces aspartic acid 683 with asparagine.
Molecular consequence: missense variant. On other transcripts: 3 prime UTR variant (2), non-coding transcript variant (1).
Genome position (GRCh38, 1-based): chr7:105,565,437, G>A. VCF-style: chr7-105565437-G-A. GRCh37 (hg19) VCF-style: chr7-105205884-G-A.
Other names: c.*10C>T (NM_001355526.2); c.*112C>T (NM_001355530.2); c.370C>T, p.Pro124Ser (NM_001355531.2); c.1813G>A, p.Asp605Asn (NM_001346599.2); c.1024G>A, p.Asp342Asn (NM_001346600.2, NM_001346603.2); c.1123G>A, p.Asp375Asn (NM_001346601.2); short protein forms P124S, D342N, D605N, D375N, D683N.
Identifiers: ClinVar variation 2448403 (VCV002448403.2), dbSNP rs1586272708, ClinGen allele CA368814973.